The following is an entry in ClinVar:

NM_000501.4(ELN):c.1191del (p.Thr396_Tyr397insTer)

Gene: ELN (elastin; plus strand). Cytogenetic location: 7q11.23.
Variant type: Deletion.
Coding change: c.1191del on transcript NM_000501.4 (MANE Select); coding-DNA position 1191, one base deleted (C; older notation c.1191delC).
Protein change: p.Thr396_Tyr397insTer.
Molecular consequence: nonsense.
Genome position (GRCh38, 1-based): chr7:74,056,311, C deleted. VCF-style (leftmost placement, unchanged base first): chr7-74056310-AC-A. GRCh37 (hg19) VCF-style: chr7-73470640-AC-A.
Other names: c.1161del, p.Thr386_Tyr387insTer (NM_001081752.3, NM_001278917.2); c.1206del, p.Thr401_Tyr402insTer (NM_001081753.3, NM_001081754.3); c.1191del, p.Thr396_Tyr397insTer (NM_001081755.3, NM_001278912.2, NM_001278915.2 and 1 more transcripts); c.1083del, p.Thr360_Tyr361insTer (NM_001278913.2); c.1176del, p.Thr391_Tyr392insTer (NM_001278914.2); c.1149del, p.Thr382_Tyr383insTer (NM_001278916.2); c.1059del, p.Thr352_Tyr353insTer (NM_001278918.2).
Identifiers: ClinVar variation 2007547 (VCV002007547.4), dbSNP rs2486021154, ClinGen allele CA2580077341.
Genomic context (GRCh38, chr7:74,056,310, plus strand): 5'-TTGGCTCCCTTCCCTCTGCAGGGGCCAGGCCCGGAGTCGGAGTTGGAGGCATTCCTACTT[AC>A]GGGGTTGGAGCTGGGGGCTTTCCCGGCTTTGGTGTCGGAGTCGGAGGTATCCCTGGAGTC-3'

ClinVar aggregate classification (germline): Pathogenic (1 of 4 stars; one submission).

Conditions:
Supravalvar aortic stenosis (SVAS). Also called: Supravalvar aortic stenosis, Eisenberg type. Identifiers: Orphanet 3193, MedGen C0003499, MONDO:0008504, OMIM 185500, HP:0004381.

Submission:

Labcorp Genetics (formerly Invitae), Labcorp
Classification: Pathogenic for Supravalvar aortic stenosis. Last evaluated: 2022-06-17. Review status: criteria provided, single submitter. Criteria: Invitae Variant Classification Sherloc (09022015). Collection method: clinical testing. Allele origin: germline.
Comment: For these reasons, this variant has been classified as Pathogenic. This variant has not been reported in the literature in individuals affected with ELN-related conditions. This variant is not present in population databases (gnomAD no frequency). This sequence change creates a premature translational stop signal (p.Tyr397*) in the ELN gene. It is expected to result in an absent or disrupted protein product. Loss-of-function variants in ELN are known to be pathogenic (PMID: 11175284).

Literature cited by the submitters: PubMed 11175284.